The following is an entry in ClinVar:

ClinVar aggregate classification (germline): Likely benign (1 of 4 stars; one submission).

Conditions:
Dyskeratosis congenita. Identifiers: Orphanet 1775, MedGen C0265965, MONDO:0015780.

Allele frequency attached by ClinVar (database versions not stated): TOPMed 0.00014; 1000 Genomes Project 30x 0.00047; 1000 Genomes Project 0.00060.
gnomAD v4.1: 17 of 152,250 alleles (0.011%); highest among the groups gnomAD compares: East Asian, 0.29%; no homozygotes.

Submission:

Illumina Laboratory Services, Illumina
Classification: Likely benign for Dyskeratosis congenita. Last evaluated: 2018-01-13. Review status: criteria provided, single submitter. Criteria: ICSL Variant Classification Criteria 13 December 2019. Collection method: clinical testing. Allele origin: germline.
Comment: This variant was observed in the ICSL laboratory as part of a predisposition screen in an ostensibly healthy population. It had not been previously curated by ICSL or reported in the Human Gene Mutation Database (HGMD: prior to June 1st, 2018), and was therefore a candidate for classification through an automated scoring system. Utilizing variant allele frequency, disease prevalence and penetrance estimates, and inheritance mode, an automated score was calculated to assess if this variant is too frequent to cause the disease. Based on the score and internal cut-off values, a variant classified as likely benign is not then subjected to further curation. The score for this variant resulted in a classification of likely benign for this disease.

NM_025099.6(CTC1):c.*1474G>C

Gene: CTC1 (CST telomere replication complex component 1; minus strand). Cytogenetic location: 17p13.1.
Variant type: single nucleotide variant.
Coding change: c.*1474G>C on transcript NM_025099.6 (MANE Select); 1474 bases downstream of the stop codon, G replaced by C.
Molecular consequence: 3 prime UTR variant. On other transcripts: non-coding transcript variant (1).
Genome position (GRCh38, 1-based): chr17:8,226,706, C>G on the plus strand (G>C on the coding strand, the complement: CTC1 is on the minus strand). VCF-style: chr17-8226706-C-G. GRCh37 (hg19) VCF-style: chr17-8130024-C-G.
Identifiers: ClinVar variation 326027 (VCV000326027.5), dbSNP rs78517666, ClinGen allele CA10647167.